The following is an entry in ClinVar:

ClinVar aggregate classification (germline): Uncertain significance (1 of 4 stars; one submission).

Submission:

Labcorp Genetics (formerly Invitae), Labcorp
Classification: Uncertain significance. Last evaluated: 2025-04-10. Review status: criteria provided, single submitter. Criteria: Invitae Variant Classification Sherloc (09022015). Collection method: clinical testing. Allele origin: germline.
Comment: This sequence change replaces valine, which is neutral and non-polar, with isoleucine, which is neutral and non-polar, at codon 1431 of the POLE protein (p.Val1431Ile). This variant is not present in population databases (gnomAD no frequency). This variant has not been reported in the literature in individuals affected with POLE-related conditions. An algorithm developed to predict the effect of missense changes on protein structure and function (PolyPhen-2) suggests that this variant is likely to be tolerated. In summary, the available evidence is currently insufficient to determine the role of this variant in disease. Therefore, it has been classified as a Variant of Uncertain Significance.

NM_006231.4(POLE):c.4291G>A (p.Val1431Ile)

Gene: POLE (DNA polymerase epsilon, catalytic subunit; minus strand). Cytogenetic location: 12q24.33.
Variant type: single nucleotide variant.
Coding change: c.4291G>A on transcript NM_006231.4 (MANE Select); coding-DNA position 4291, G replaced by A.
Protein change: p.Val1431Ile; replaces valine 1431 with isoleucine.
Molecular consequence: missense variant.
Genome position (GRCh38, 1-based): chr12:132,643,560, C>T on the plus strand (G>A on the coding strand, the complement: POLE is on the minus strand). VCF-style: chr12-132643560-C-T. GRCh37 (hg19) VCF-style: chr12-133220146-C-T.
Other names: short protein forms V1431I.
Identifiers: ClinVar variation 4717018 (VCV004717018.1).
Genomic context (GRCh38, chr12:132,643,560, plus strand): 5'-GCTGTTTATTGACCACACACACACAGCCCAGGTGCACCAGGGCCCGGAACAGTAACGGAA[C>T]CTGGAAGAATCGGGCAGACAGGCCGGCAAGGGCTGGATGGTGGGGGCTCTGGCTGCCCAC-3'
Protein context (NP_006222.2, residues 1421-1441): PDIEGVYETQ[Val1431Ile]PLLFRALVHL